The following is an entry in ClinVar:

ClinVar aggregate classification (germline): Likely pathogenic (1 of 4 stars; one submission).

Conditions:
Hereditary cancer-predisposing syndrome. Also called: Neoplastic Syndromes, Hereditary; Tumor predisposition; Hereditary neoplastic syndrome; Hereditary Cancer Syndrome. Identifiers: Orphanet 140162, MedGen C0027672, MeSH D009386, MONDO:0015356.

Submission:

Ambry Genetics
Classification: Likely pathogenic for Hereditary cancer-predisposing syndrome. Last evaluated: 2026-08-06. Review status: criteria provided, single submitter. Criteria: Ambry Variant Classification Scheme 2023. Collection method: clinical testing. Allele origin: germline.
Comment: The c.8011-3_8018del11insATATTTATTC variant results from a deletion of 11 nucleotides and insertion of 10 nucleotides (ATATTTATTC) at positions c.8011-3 to c.8018 and involves the canonical splice acceptor site before coding exon 54 of the ATM gene. The canonical splice acceptor site is highly conserved in available vertebrate species. In silico splice site analysis predicts that this alteration will result in the creation or strengthening of a novel splice acceptor site. RNA studies have demonstrated that this variant results in abnormal splicing in the set of samples tested (Ambry internal data). This variant is considered to be rare based on population cohorts in the Genome Aggregation Database (gnomAD). Variants that disrupt the canonical splice site are expected to cause aberrant splicing, resulting in an abnormal protein or a transcript that is subject to nonsense-mediated mRNA decay. As such, this variant is classified as likely pathogenic.

NM_000051.4(ATM):c.8011-3_8018delinsATATTTATTC

Genes: ATM (ATM serine/threonine kinase; plus strand), C11orf65 (chromosome 11 open reading frame 65; minus strand). Cytogenetic location: 11q22.3.
Variant type: Indel.
Coding change: c.8011-3_8018delinsATATTTATTC on transcript NM_000051.4 (MANE Select); 3 bases into the intron before coding-DNA position 8011 through coding-DNA position 8018, TAGGTGGACCA replaced by ATATTTATTC.
Molecular consequence: splice acceptor variant. On other transcripts: intron variant (2).
Genome position (GRCh38, 1-based): chr11:108,334,966-108,334,976, TAGGTGGACCA replaced by ATATTTATTC. VCF-style: chr11-108334966-TAGGTGGACCA-ATATTTATTC. GRCh37 (hg19) VCF-style: chr11-108205693-TAGGTGGACCA-ATATTTATTC.
Other names: c.8011-3_8018delinsATATTTATTC (NM_001351834.2); c.641-25905_641-25895delinsGAATAAATAT (NM_001330368.2); c.*38+244_*38+254delinsGAATAAATAT (NM_001351110.2).
Identifiers: ClinVar variation 5031898 (VCV005031898.1).